The following is an entry in ClinVar:

NM_000147.5(FUCA1):c.614A>G (p.His205Arg)

Gene: FUCA1 (alpha-L-fucosidase 1; minus strand). Cytogenetic location: 1p36.11.
Variant type: single nucleotide variant.
Coding change: c.614A>G on transcript NM_000147.5 (MANE Select); coding-DNA position 614, A replaced by G.
Protein change: p.His205Arg; replaces histidine 205 with arginine.
Molecular consequence: missense variant.
Genome position (GRCh38, 1-based): chr1:23,863,182, T>C on the plus strand (A>G on the coding strand, the complement: FUCA1 is on the minus strand). VCF-style: chr1-23863182-T-C. GRCh37 (hg19) VCF-style: chr1-24189672-T-C.
Other names: short protein forms H205R.
Identifiers: ClinVar variation 1498611 (VCV001498611.6), dbSNP rs2148447684, ClinGen allele CA339006030.
Genomic context (GRCh38, chr1:23,863,182, plus strand): 5'-TCAGTGTCTTACCTGTTAACAAGGTCGTACAGCTCTGGCATTGTTTTTGCACTGACAAAA[T>C]GCTGTGTTTTGAAGCCATTTTTCTTATCAAGTAGATAGAGTGGATGGAACCACTCTAAGA-3'
Protein context (NP_000138.2, residues 195-215): LDKKNGFKTQ[His205Arg]FVSAKTMPEL

ClinVar aggregate classification (germline): Uncertain significance (1 of 4 stars; one submission).

Conditions:
Fucosidosis. Also called: ALPHA-L-FUCOSIDASE DEFICIENCY. Identifiers: Orphanet 349, MedGen C0016788, MONDO:0009254, OMIM 230000.

Submission:

Labcorp Genetics (formerly Invitae), Labcorp
Classification: Uncertain significance for Fucosidosis. Last evaluated: 2022-07-12. Review status: criteria provided, single submitter. Criteria: Invitae Variant Classification Sherloc (09022015). Collection method: clinical testing. Allele origin: germline.
Comment: In summary, the available evidence is currently insufficient to determine the role of this variant in disease. Therefore, it has been classified as a Variant of Uncertain Significance. Algorithms developed to predict the effect of missense changes on protein structure and function (SIFT, PolyPhen-2, Align-GVGD) all suggest that this variant is likely to be tolerated. ClinVar contains an entry for this variant (Variation ID: 1498611). This variant has not been reported in the literature in individuals affected with FUCA1-related conditions. This variant is not present in population databases (gnomAD no frequency). This sequence change replaces histidine, which is basic and polar, with arginine, which is basic and polar, at codon 205 of the FUCA1 protein (p.His205Arg).